The following is an entry in ClinVar:

ClinVar aggregate classification (germline): Uncertain significance. Review status: criteria provided, multiple submitters, no conflicts (2 of 4 stars). 2 submissions from 2 submitters: Uncertain significance (2). Last evaluated 2026-08-18.

Conditions:
Nephronophthisis. Also called: Juvenile Nephronophthisis. Identifiers: Orphanet 655, MedGen C0687120, MONDO:0019005, HP:0000090.
Jeune thoracic dystrophy. Also called: Infantile thoracic dystrophy; Thoracic pelvic phalangeal dystrophy; Jeune's syndrome; Chondroectodermal dysplasia-like syndrome; Jeune syndrome; Short-rib thoracic dysplasia. Identifiers: Orphanet 474, MedGen C0265275, MONDO:0018770.
TTC21B-related disorder. Also called: TTC21B-related condition; TTC21B-related disorders.

Allele frequency attached by ClinVar (database versions not stated): TOPMed 0.00002.

Submissions (2):

PreventionGenetics, part of Exact Sciences
Classification: Uncertain significance for TTC21B-related condition. Last evaluated: 2026-08-18. Review status: criteria provided, single submitter. Criteria: ACMG Guidelines, 2015. Collection method: clinical testing. Allele origin: germline.
Comment: The TTC21B c.1061A>G variant is predicted to result in the amino acid substitution p.Asp354Gly. To our knowledge, this variant has not been reported in the literature or in a large population database (gnomAD), indicating this variant is rare. At this time, the clinical significance of this variant is uncertain due to the absence of conclusive functional and genetic evidence.

Labcorp Genetics (formerly Invitae), Labcorp
Classification: Uncertain significance for Jeune thoracic dystrophy; Nephronophthisis. Last evaluated: 2022-03-15. Review status: criteria provided, single submitter. Criteria: Invitae Variant Classification Sherloc (09022015). Collection method: clinical testing. Allele origin: germline.
Comment: Algorithms developed to predict the effect of sequence changes on RNA splicing suggest that this variant may disrupt the consensus splice site. Algorithms developed to predict the effect of missense changes on protein structure and function are either unavailable or do not agree on the potential impact of this missense change (SIFT: "Deleterious"; PolyPhen-2: "Benign"; Align-GVGD: "Class C0"). This variant has not been reported in the literature in individuals affected with TTC21B-related conditions. This variant is not present in population databases (gnomAD no frequency). This sequence change replaces aspartic acid, which is acidic and polar, with glycine, which is neutral and non-polar, at codon 354 of the TTC21B protein (p.Asp354Gly). In summary, the available evidence is currently insufficient to determine the role of this variant in disease. Therefore, it has been classified as a Variant of Uncertain Significance.

NM_024753.5(TTC21B):c.1061A>G (p.Asp354Gly)

Gene: TTC21B (tetratricopeptide repeat domain 21B; minus strand). Cytogenetic location: 2q24.3.
Variant type: single nucleotide variant.
Coding change: c.1061A>G on transcript NM_024753.5 (MANE Select); coding-DNA position 1061, A replaced by G.
Protein change: p.Asp354Gly; replaces aspartic acid 354 with glycine.
Molecular consequence: missense variant.
Genome position (GRCh38, 1-based): chr2:165,930,198, T>C on the plus strand (A>G on the coding strand, the complement: TTC21B is on the minus strand). VCF-style: chr2-165930198-T-C. GRCh37 (hg19) VCF-style: chr2-166786708-T-C.
Other names: c.1061A>G (NM_024753.4); short protein forms D354G.
Identifiers: ClinVar variation 1347985 (VCV001347985.6), dbSNP rs902487352, ClinGen allele CA59806150.